The following is an entry in ClinVar:

NM_016011.5(MECR):c.830C>T (p.Ala277Val)

Gene: MECR (mitochondrial trans-2-enoyl-CoA reductase; minus strand). Cytogenetic location: 1p35.3.
Variant type: single nucleotide variant.
Coding change: c.830C>T on transcript NM_016011.5 (MANE Select); coding-DNA position 830, C replaced by T.
Protein change: p.Ala277Val; replaces alanine 277 with valine.
Molecular consequence: missense variant. On other transcripts: non-coding transcript variant (4).
Genome position (GRCh38, 1-based): chr1:29,200,516, G>A on the plus strand (C>T on the coding strand, the complement: MECR is on the minus strand). VCF-style: chr1-29200516-G-A. GRCh37 (hg19) VCF-style: chr1-29527028-G-A.
Other names: p.Ala277Val; c.602C>T, p.Ala201Val (NM_001024732.4, NM_001349711.2, NM_001349712.2 and 2 more transcripts); c.935C>T, p.Ala312Val (NM_001349715.2); c.914C>T, p.Ala305Val (NM_001349716.2); c.680C>T, p.Ala227Val (NM_001349717.2); short protein forms A227V, A201V, A305V, A312V, A277V.
Identifiers: ClinVar variation 781582 (VCV000781582.50), dbSNP rs148978800, ClinGen allele CA725652.
Genomic context (GRCh38, chr1:29,200,516, plus strand): 5'-CTCCCAGCTAAAGACCTGGAGAGCTCTGGCGAGCTGGACCTGCAGGCCCAAGGGACTTAC[G>A]CTAACTGCCGCAGCAGCTCTGTGGAGCTTTTCCCACCAACACAGTTGAGAGCAAGCCGTG-3'
Protein context (NP_057095.4, residues 267-287): KSSTELLRQL[Ala277Val]RGGTMVTYGG

ClinVar aggregate classification (germline): Benign/Likely benign. Review status: criteria provided, multiple submitters, no conflicts (2 of 4 stars). 6 submissions from 6 submitters: Benign (3); Likely benign (2). 1 of the submissions does not count toward it. Last evaluated 2026-09-01.

Conditions:
MECR-related disorder. Also called: MECR-related condition.

Allele frequency attached by ClinVar (database versions not stated): ExAC 0.00495; TOPMed 0.00504; gnomAD exomes 0.00528 and 0.00481; ESP Exome Variant Server 0.00600; 1000 Genomes Project 0.00180; 1000 Genomes Project 30x 0.00219; gnomAD 0.00425 and 0.00429.
gnomAD v4.1: 8,379 of 1,612,854 alleles (0.52%); highest among the groups gnomAD compares: Middle Eastern, 1.3%; 39 homozygotes.

Submissions (6):

CeGaT Center for Human Genetics Tuebingen
Classification: Likely benign. Last evaluated: 2026-09-01. Review status: criteria provided, single submitter. Criteria: CeGaT Center For Human Genetics Tuebingen Variant Classification Criteria Version 2. Collection method: clinical testing. Allele origin: germline. Affected: yes. Observed: 41 variant alleles.
Comment: MECR: BS2

Labcorp Genetics (formerly Invitae), Labcorp
Classification: Benign. Last evaluated: 2026-01-31. Review status: criteria provided, single submitter. Criteria: Invitae Variant Classification Sherloc (09022015). Collection method: clinical testing. Allele origin: germline.

Mayo Clinic Laboratories, Mayo Clinic
Classification: Benign. Last evaluated: 2023-11-24. Review status: criteria provided, single submitter. Criteria: ACMG Guidelines, 2015. Collection method: clinical testing. Allele origin: germline. Observed: 7 variant alleles.
Comment: BS1, BS2, BP4

GeneDx
Classification: Benign. Last evaluated: 2021-04-19. Review status: criteria provided, single submitter. Criteria: GeneDx Variant Classification Process June 2021. Collection method: clinical testing. Allele origin: germline. Affected: yes.

Breakthrough Genomics
Classification: Likely benign. Review status: criteria provided, single submitter. Criteria: ACMG Guidelines, 2015. Collection method: not provided. Allele origin: germline. Inheritance: Autosomal recessive inheritance. Affected: yes.

PreventionGenetics, part of Exact Sciences
Classification: Benign for MECR-related condition. Last evaluated: 2019-05-08. Review status: no assertion criteria provided. Collection method: clinical testing. Allele origin: germline. Not counted in ClinVar's aggregate classification.
Comment: This variant is classified as benign based on ACMG/AMP sequence variant interpretation guidelines (Richards et al. 2015 PMID: 25741868, with internal and published modifications).